The following is an entry in ClinVar:

ClinVar aggregate classification (germline): Uncertain significance (1 of 4 stars; one submission).

Submission:

Ambry Genetics
Classification: Uncertain significance. Last evaluated: 2025-04-18. Review status: criteria provided, single submitter. Criteria: Ambry Variant Classification Scheme 2023. Collection method: clinical testing. Allele origin: germline.
Comment: The p.T608I variant (also known as c.1823C>T), located in coding exon 12 of the RINT1 gene, results from a C to T substitution at nucleotide position 1823. The threonine at codon 608 is replaced by isoleucine, an amino acid with similar properties. This amino acid position is conserved. In addition, this alteration is predicted to be tolerated by in silico analysis. Based on the available evidence, the clinical significance of this variant remains unclear.

NM_021930.6(RINT1):c.1823C>T (p.Thr608Ile)

Gene: RINT1 (RAD50 interactor 1; plus strand). Cytogenetic location: 7q22.3.
Variant type: single nucleotide variant.
Coding change: c.1823C>T on transcript NM_021930.6 (MANE Select); coding-DNA position 1823, C replaced by T.
Protein change: p.Thr608Ile; replaces threonine 608 with isoleucine.
Molecular consequence: missense variant. On other transcripts: non-coding transcript variant (1).
Genome position (GRCh38, 1-based): chr7:105,563,884, C>T. VCF-style: chr7-105563884-C-T. GRCh37 (hg19) VCF-style: chr7-105204331-C-T.
Other names: c.1589C>T, p.Thr530Ile (NM_001346599.2); c.800C>T, p.Thr267Ile (NM_001346600.2, NM_001346603.2); c.899C>T, p.Thr300Ile (NM_001346601.2); short protein forms T608I, T267I, T530I, T300I.
Identifiers: ClinVar variation 3945956 (VCV003945956.1).